The following is an entry in ClinVar:

NM_001367721.1(CASK):c.2358G>T (p.Lys786Asn)

Gene: CASK (calcium/calmodulin dependent serine protein kinase; minus strand). Cytogenetic location: Xp11.4.
Variant type: single nucleotide variant.
Coding change: c.2358G>T on transcript NM_001367721.1 (MANE Select); coding-DNA position 2358, G replaced by T.
Protein change: p.Lys786Asn; replaces lysine 786 with asparagine.
Molecular consequence: missense variant.
Genome position (GRCh38, 1-based): chrX:41,531,169, C>A on the plus strand (G>T on the coding strand, the complement: CASK is on the minus strand). VCF-style: chrX-41531169-C-A. GRCh37 (hg19) VCF-style: chrX-41390422-C-A.
Other names: c.2274G>T, p.Lys758Asn (NM_001126054.3); c.2271G>T, p.Lys757Asn (NM_001126055.3); c.2340G>T, p.Lys780Asn (NM_001410745.1); c.2343G>T, p.Lys781Asn (NM_003688.4); short protein forms K757N, K758N, K781N, K786N, K780N.
Identifiers: ClinVar variation 1017817 (VCV001017817.9), dbSNP rs2064798017, ClinGen allele CA412990540.

ClinVar aggregate classification (germline): Uncertain significance. Review status: criteria provided, multiple submitters, no conflicts (2 of 4 stars). 2 submissions from 2 submitters: Uncertain significance (2). Last evaluated 2025-05-05.

Conditions:
Intellectual disability, CASK-related, X-linked. Identifiers: MedGen CN043158.

Submissions (2):

GeneDx
Classification: Uncertain significance. Last evaluated: 2025-05-05. Review status: criteria provided, single submitter. Criteria: GeneDx Variant Classification Process June 2021. Collection method: clinical testing. Allele origin: germline. Affected: yes.
Comment: Not observed at significant frequency in large population cohorts (gnomAD); In silico analysis supports that this missense variant has a deleterious effect on protein structure/function; Has not been previously published as pathogenic or benign to our knowledge

Labcorp Genetics (formerly Invitae), Labcorp
Classification: Uncertain significance for Intellectual disability, CASK-related, X-linked. Last evaluated: 2020-08-25. Review status: criteria provided, single submitter. Criteria: Invitae Variant Classification Sherloc (09022015). Collection method: clinical testing. Allele origin: germline.
Comment: This sequence change replaces lysine with asparagine at codon 781 of the CASK protein (p.Lys781Asn). The lysine residue is highly conserved and there is a moderate physicochemical difference between lysine and asparagine. This variant is not present in population databases (ExAC no frequency). This variant has not been reported in the literature in individuals with CASK-related conditions. Algorithms developed to predict the effect of missense changes on protein structure and function are either unavailable or do not agree on the potential impact of this missense change (SIFT: "Deleterious"; PolyPhen-2: "Benign"; Align-GVGD: "Class C65"). In summary, the available evidence is currently insufficient to determine the role of this variant in disease. Therefore, it has been classified as a Variant of Uncertain Significance.